The following is an entry in ClinVar:

NM_000458.4(HNF1B):c.1181A>G (p.Asn394Ser)

Gene: HNF1B (HNF1 homeobox B; minus strand). Cytogenetic location: 17q12.
Variant type: single nucleotide variant.
Coding change: c.1181A>G on transcript NM_000458.4 (MANE Select); coding-DNA position 1181, A replaced by G.
Protein change: p.Asn394Ser; replaces asparagine 394 with serine.
Molecular consequence: missense variant.
Genome position (GRCh38, 1-based): chr17:37,710,528, T>C on the plus strand (A>G on the coding strand, the complement: HNF1B is on the minus strand). VCF-style: chr17-37710528-T-C. GRCh37 (hg19) VCF-style: chr17-36070536-T-C.
Other names: c.1103A>G, p.Asn368Ser (NM_001165923.4, NM_001304286.2); short protein forms N368S, N394S.
Identifiers: ClinVar variation 1475801 (VCV001475801.8), dbSNP rs753220832, ClinGen allele CA8518874.

ClinVar aggregate classification (germline): Uncertain significance (1 of 4 stars; one submission).

Allele frequency attached by ClinVar (database versions not stated): gnomAD exomes below 0.00001; ExAC 0.00001.
gnomAD v4.1: 4 of 1,614,196 alleles (0.00025%); highest among the groups gnomAD compares: South Asian, 0.0011%; no homozygotes.

Submission:

Labcorp Genetics (formerly Invitae), Labcorp
Classification: Uncertain significance. Last evaluated: 2025-11-24. Review status: criteria provided, single submitter. Criteria: Invitae Variant Classification Sherloc (09022015). Collection method: clinical testing. Allele origin: germline.
Comment: This sequence change replaces asparagine, which is neutral and polar, with serine, which is neutral and polar, at codon 394 of the HNF1B protein (p.Asn394Ser). This variant is present in population databases (rs753220832, gnomAD 0.003%). This variant has not been reported in the literature in individuals affected with HNF1B-related conditions. ClinVar contains an entry for this variant (Variation ID: 1475801). Invitae Evidence Modeling of protein sequence and biophysical properties (such as structural, functional, and spatial information, amino acid conservation, physicochemical variation, residue mobility, and thermodynamic stability) indicates that this missense variant is not expected to disrupt HNF1B protein function with a negative predictive value of 80%. In summary, the available evidence is currently insufficient to determine the role of this variant in disease. Therefore, it has been classified as a Variant of Uncertain Significance.